The following is an entry in ClinVar:

NM_020120.4(UGGT1):c.3357C>T (p.Tyr1119=)

Gene: UGGT1 (UDP-glucose glycoprotein glucosyltransferase 1; plus strand). Cytogenetic location: 2q14.3.
Variant type: single nucleotide variant.
Coding change: c.3357C>T on transcript NM_020120.4 (MANE Select); coding-DNA position 3357, C replaced by T.
Protein change: p.Tyr1119=; no amino-acid change (tyrosine 1119 retained).
Molecular consequence: synonymous variant. On other transcripts: non-coding transcript variant (1).
Genome position (GRCh38, 1-based): chr2:128,173,843, C>T. VCF-style: chr2-128173843-C-T. GRCh37 (hg19) VCF-style: chr2-128931417-C-T.
Identifiers: ClinVar variation 4872171 (VCV004872171.2).

ClinVar aggregate classification (germline): Likely benign (1 of 4 stars; one submission).

gnomAD v4.1: 81 of 1,614,148 alleles (0.005%); highest among the groups gnomAD compares: Admixed American, 0.11%; no homozygotes.

Submission:

CeGaT Center for Human Genetics Tuebingen
Classification: Likely benign. Last evaluated: 2026-04-01. Review status: criteria provided, single submitter. Criteria: CeGaT Center For Human Genetics Tuebingen Variant Classification Criteria Version 2. Collection method: clinical testing. Allele origin: germline. Affected: yes. Observed: 1 variant allele.
Comment: UGGT1: BP4, BP7